The following is an entry in ClinVar:

ClinVar aggregate classification (germline): Benign/Likely benign. Review status: criteria provided, multiple submitters, no conflicts (2 of 4 stars). 3 submissions from 3 submitters: Benign (1); Likely benign (2). Last evaluated 2024-10-10.

Conditions:
Hereditary cancer-predisposing syndrome. Also called: Hereditary neoplastic syndrome; Neoplastic Syndromes, Hereditary; Tumor predisposition; Hereditary Cancer Syndrome. Identifiers: Orphanet 140162, MedGen C0027672, MeSH D009386, MONDO:0015356.
Hereditary diffuse gastric adenocarcinoma (HDGC). Also called: DIFFUSE GASTRIC AND LOBULAR BREAST CANCER SYNDROME. Identifiers: Orphanet 26106, MedGen C1708349, MONDO:0007648, OMIM 137215.

Allele frequency attached by ClinVar (database versions not stated): ExAC 0.00001; TOPMed 0.00002.
gnomAD v4.1: 1 of 1,614,246 alleles (0.000062%); highest among the groups gnomAD compares: East Asian, 0.0022%; no homozygotes.

Submissions (3):

Myriad Genetics, Inc.
Classification: Benign for Hereditary diffuse gastric adenocarcinoma. Last evaluated: 2024-10-10. Review status: criteria provided, single submitter. Criteria: Myriad Autosomal Dominant, Autosomal Recessive and X-Linked Classification Criteria (2023). Collection method: clinical testing. Allele origin: unknown.
Comment: This variant is considered benign. This variant is a silent/synonymous amino acid change and it is not expected to impact splicing.

Labcorp Genetics (formerly Invitae), Labcorp
Classification: Likely benign. Last evaluated: 2024-09-30. Review status: criteria provided, single submitter. Criteria: Invitae Variant Classification Sherloc (09022015). Collection method: clinical testing. Allele origin: germline.

Ambry Genetics
Classification: Likely benign for Hereditary cancer-predisposing syndrome. Last evaluated: 2022-09-18. Review status: criteria provided, single submitter. Criteria: Ambry Variant Classification Scheme 2023. Collection method: clinical testing. Allele origin: germline.

NM_001903.5(CTNNA1):c.681A>T (p.Ala227=)

Gene: CTNNA1 (catenin alpha 1; plus strand). Cytogenetic location: 5q31.2.
Variant type: single nucleotide variant.
Coding change: c.681A>T on transcript NM_001903.5 (MANE Select); coding-DNA position 681, A replaced by T.
Protein change: p.Ala227=; no amino-acid change (alanine 227 retained).
Molecular consequence: synonymous variant.
Genome position (GRCh38, 1-based): chr5:138,824,622, A>T. VCF-style: chr5-138824622-A-T. GRCh37 (hg19) VCF-style: chr5-138160311-A-T.
Other names: c.681A>T, p.Ala227= (NM_001290307.3, NM_001323982.2, NM_001323983.1 and 3 more transcripts); c.372A>T, p.Ala124= (NM_001290309.3); c.312A>T, p.Ala104= (NM_001290310.3).
Identifiers: ClinVar variation 728302 (VCV000728302.14), dbSNP rs758660340, ClinGen allele CA3431527.
Genomic context (GRCh38, chr5:138,824,622, plus strand): 5'-GGCTGCAGCTAGAGGAATCCTGCAGAAGAACGTTCCGATCCTCTATACTGCATCCCAGGC[A>T]TGCCTACAGCACCCTGATGTCGCAGCCTATAAGGCCAACAGGGACCTGATATACAAGCAG-3'
Protein context (NP_001894.2, residues 217-237): NVPILYTASQ[Ala227=]CLQHPDVAAY